The following is an entry in ClinVar:

NM_001347886.2(DNAH3):c.4658A>G (p.Tyr1553Cys)

Gene: DNAH3 (dynein axonemal heavy chain 3; minus strand). Cytogenetic location: 16p12.3.
Variant type: single nucleotide variant.
Coding change: c.4658A>G on transcript NM_001347886.2 (MANE Select); coding-DNA position 4658, A replaced by G.
Protein change: p.Tyr1553Cys; replaces tyrosine 1553 with cysteine.
Molecular consequence: missense variant.
Genome position (GRCh38, 1-based): chr16:21,037,915, T>C on the plus strand (A>G on the coding strand, the complement: DNAH3 is on the minus strand). VCF-style: chr16-21037915-T-C. GRCh37 (hg19) VCF-style: chr16-21049237-T-C.
Other names: c.4796A>G, p.Tyr1599Cys (NM_017539.2); short protein forms Y1599C, Y1553C.
Identifiers: ClinVar variation 3083917 (VCV003083917.2), dbSNP rs145646333, ClinGen allele CA7947633.
Genomic context (GRCh38, chr16:21,037,915, plus strand): 5'-TTGAGCTTCAGGTTTCCTGCGGCAGTAAGCACAGACTTGACAGCGCGCATACCGTAGTCA[T>C]AGTGATGCTGAGAGGACAGTTGTTCCGAGCACAGGCGGTAGGTCGCAACGATCTTCTGGG-3'
Protein context (NP_001334815.1, residues 1543-1563): CSEQLSSQHH[Tyr1553Cys]DYGMRAVKSV

ClinVar aggregate classification (germline): Uncertain significance. Review status: criteria provided, multiple submitters, no conflicts (2 of 4 stars). 2 submissions from 2 submitters: Uncertain significance (2). Last evaluated 2023-11-29.

Allele frequency attached by ClinVar (database versions not stated): gnomAD exomes 0.00003; ExAC 0.00008; gnomAD 0.00019; TOPMed 0.00020; ESP Exome Variant Server 0.00023.
gnomAD v4.1: 68 of 1,614,002 alleles (0.0042%); highest among the groups gnomAD compares: African/African-American, 0.075%; no homozygotes.

Submissions (2):

Ambry Genetics
Classification: Uncertain significance. Last evaluated: 2023-11-29. Review status: criteria provided, single submitter. Criteria: Ambry Variant Classification Scheme 2023. Collection method: clinical testing. Allele origin: germline.

GeneDx
Classification: Uncertain significance. Last evaluated: 2022-09-13. Review status: criteria provided, single submitter. Criteria: GeneDx Variant Classification Process June 2021. Collection method: clinical testing. Allele origin: germline. Affected: yes.
Comment: In silico analysis supports that this missense variant has a deleterious effect on protein structure/function; Has not been previously published as pathogenic or benign to our knowledge; Variants in candidate genes are classified as variants of uncertain significance in accordance with ACMG guidelines (Richards et al., 2015)